The following is an entry in ClinVar:

NM_024408.4(NOTCH2):c.5002+1G>A

Gene: NOTCH2 (notch receptor 2; minus strand). Cytogenetic location: 1p12.
Variant type: single nucleotide variant.
Coding change: c.5002+1G>A on transcript NM_024408.4 (MANE Select); the canonical splice donor site of the intron after coding-DNA position 5002, G replaced by A.
Molecular consequence: splice donor variant.
Genome position (GRCh38, 1-based): chr1:119,922,635, C>T on the plus strand (G>A on the coding strand, the complement: NOTCH2 is on the minus strand). VCF-style: chr1-119922635-C-T. GRCh37 (hg19) VCF-style: chr1-120465258-C-T.
Identifiers: ClinVar variation 4712192 (VCV004712192.1).

ClinVar aggregate classification (germline): Likely pathogenic (1 of 4 stars; one submission).

Conditions:
Hajdu-Cheney syndrome (HJCYS). Also called: ACROOSTEOLYSIS WITH OSTEOPOROSIS AND CHANGES IN SKULL AND MANDIBLE; SERPENTINE FIBULA-POLYCYSTIC KIDNEY SYNDROME; Acroosteolysis dominant type. Identifiers: Orphanet 955, MedGen C0917715, MONDO:0007057, OMIM 102500.

Submission:

Labcorp Genetics (formerly Invitae), Labcorp
Classification: Likely pathogenic for Hajdu-Cheney syndrome. Last evaluated: 2025-02-10. Review status: criteria provided, single submitter. Criteria: Invitae Variant Classification Sherloc (09022015). Collection method: clinical testing. Allele origin: germline.
Comment: This sequence change affects a donor splice site in intron 27 of the NOTCH2 gene. It is expected to disrupt RNA splicing. Variants that disrupt the donor or acceptor splice site typically lead to a loss of protein function (PMID: 16199547), and loss-of-function variants in NOTCH2 are known to be pathogenic (PMID: 16773578, 22209762). This variant is not present in population databases (gnomAD no frequency). This variant has not been reported in the literature in individuals affected with NOTCH2-related conditions. Algorithms developed to predict the effect of sequence changes on RNA splicing suggest that this variant may disrupt the consensus splice site. In summary, the currently available evidence indicates that the variant is pathogenic, but additional data are needed to prove that conclusively. Therefore, this variant has been classified as Likely Pathogenic.

Literature cited by the submitters: PubMed 16199547; PubMed 16773578; PubMed 22209762.